The following is an entry in ClinVar:

NM_001253697.2(ERBIN):c.3637C>T (p.His1213Tyr)

Gene: ERBIN (erbb2 interacting protein; plus strand). Cytogenetic location: 5q12.3.
Variant type: single nucleotide variant.
Coding change: c.3637C>T on transcript NM_001253697.2 (MANE Select); coding-DNA position 3637, C replaced by T.
Protein change: p.His1213Tyr; replaces histidine 1213 with tyrosine.
Molecular consequence: missense variant. On other transcripts: intron variant (5).
Genome position (GRCh38, 1-based): chr5:66,072,172, C>T. VCF-style: chr5-66072172-C-T. GRCh37 (hg19) VCF-style: chr5-65368000-C-T.
Other names: c.3778-2852C>T (NM_001253699.2); c.3634-2852C>T (NM_018695.4, NM_001253698.2); c.3634-4144C>T (NM_001006600.3); c.3622-2852C>T (NM_001253701.2); short protein forms H1213Y.
Identifiers: ClinVar variation 1428189 (VCV001428189.8), dbSNP rs1158846468, ClinGen allele CA359870610.

ClinVar aggregate classification (germline): Uncertain significance (1 of 4 stars; one submission).

Allele frequency attached by ClinVar (database versions not stated): gnomAD exomes 0.00001 and 0.00004; TOPMed 0.00002; gnomAD 0.00003 and 0.00004.
gnomAD v4.1: 57 of 1,548,786 alleles (0.0037%); highest among the groups gnomAD compares: Non-Finnish European, 0.0046%; no homozygotes.

Submission:

Labcorp Genetics (formerly Invitae), Labcorp
Classification: Uncertain significance. Last evaluated: 2025-10-13. Review status: criteria provided, single submitter. Criteria: Invitae Variant Classification Sherloc (09022015). Collection method: clinical testing. Allele origin: germline.
Comment: This sequence change replaces histidine, which is basic and polar, with tyrosine, which is neutral and polar, at codon 1213 of the ERBIN protein (p.His1213Tyr). This variant is present in population databases (no rsID available, gnomAD 0.004%). This variant has not been reported in the literature in individuals affected with ERBIN-related conditions. ClinVar contains an entry for this variant (Variation ID: 1428189). An algorithm developed to predict the effect of missense changes on protein structure and function (PolyPhen-2) suggests that this variant is likely to be tolerated. In summary, the available evidence is currently insufficient to determine the role of this variant in disease. Therefore, it has been classified as a Variant of Uncertain Significance.